The following is an entry in ClinVar:

ClinVar aggregate classification (germline): Pathogenic (1 of 4 stars; one submission).

Submission:

Labcorp Genetics (formerly Invitae), Labcorp
Classification: Pathogenic. Last evaluated: 2023-11-03. Review status: criteria provided, single submitter. Criteria: Invitae Variant Classification Sherloc (09022015). Collection method: clinical testing. Allele origin: unknown.
Comment: This variant is a gross deletion of the genomic region encompassing exon(s) 39-58 of the USH2A gene. This variant would be expected to be in-frame, preserving the integrity of the reading frame. This variant has not been reported in the literature in individuals affected with USH2A-related conditions. This variant disrupts a region of the USH2A protein in which other variant(s) (p.Arg3719His) have been determined to be pathogenic (PMID: 5133613, 28157192, 29641573, 30190494, 30280194). This suggests that this is a clinically significant region of the protein, and that variants that disrupt it are likely to be disease-causing. For these reasons, this variant has been classified as Pathogenic.

Literature cited by the submitters: PubMed 5133613; PubMed 28157192; PubMed 29641573; PubMed 30190494; PubMed 30280194.

NC_000001.10:g.(?_215931917)_(216074267_?)del

Gene: USH2A (usherin; minus strand). Cytogenetic location: 1q41.
Variant type: Deletion.
Identifiers: ClinVar variation 3248064 (VCV003248064.1).